The following is an entry in ClinVar:

ClinVar aggregate classification (germline): Uncertain significance (1 of 4 stars; one submission).

Allele frequency attached by ClinVar (database versions not stated): gnomAD exomes below 0.00001.

Submission:

Labcorp Genetics (formerly Invitae), Labcorp
Classification: Uncertain significance. Last evaluated: 2025-12-13. Review status: criteria provided, single submitter. Criteria: Invitae Variant Classification Sherloc (09022015). Collection method: clinical testing. Allele origin: germline.
Comment: This sequence change replaces phenylalanine, which is neutral and non-polar, with leucine, which is neutral and non-polar, at codon 756 of the MAGEL2 protein (p.Phe756Leu). This variant is not present in population databases (gnomAD no frequency). This variant has not been reported in the literature in individuals affected with MAGEL2-related conditions. ClinVar contains an entry for this variant (Variation ID: 1923808). Invitae Evidence Modeling of protein sequence and biophysical properties (such as structural, functional, and spatial information, amino acid conservation, physicochemical variation, residue mobility, and thermodynamic stability) has been performed for this missense variant. However, the output from this modeling did not meet the statistical confidence thresholds required to predict the impact of this variant on MAGEL2 protein function. In summary, the available evidence is currently insufficient to determine the role of this variant in disease. Therefore, it has been classified as a Variant of Uncertain Significance.

NM_019066.5(MAGEL2):c.2268C>G (p.Phe756Leu)

Gene: MAGEL2 (MAGE family member L2; minus strand). Cytogenetic location: 15q11.2.
Variant type: single nucleotide variant.
Coding change: c.2268C>G on transcript NM_019066.5 (MANE Select); coding-DNA position 2268, C replaced by G.
Protein change: p.Phe756Leu; replaces phenylalanine 756 with leucine.
Molecular consequence: missense variant.
Genome position (GRCh38, 1-based): chr15:23,645,475, G>C on the plus strand (C>G on the coding strand, the complement: MAGEL2 is on the minus strand). VCF-style: chr15-23645475-G-C. GRCh37 (hg19) VCF-style: chr15-23890622-G-C.
Other names: short protein forms F756L.
Identifiers: ClinVar variation 1923808 (VCV001923808.5), dbSNP rs747258162, ClinGen allele CA391332337.